The following is an entry in ClinVar:

NM_005511.2(MLANA):c.77+1G>C

Genes: BRD10 (bromodomain containing 10; minus strand), MLANA (melan-A; plus strand). Cytogenetic location: 9p24.1.
Variant type: single nucleotide variant.
Coding change: c.77+1G>C on transcript NM_005511.2 (MANE Select); the canonical splice donor site of the intron after coding-DNA position 77, G replaced by C.
Molecular consequence: splice donor variant.
Genome position (GRCh38, 1-based): chr9:5,892,552, G>C. VCF-style: chr9-5892552-G-C. GRCh37 (hg19) VCF-style: chr9-5892552-G-C.
Other names: NC_000009.11:g.5892552G>C; c.77+1G>C (NM_005511.1).
Identifiers: ClinVar variation 4356957 (VCV004356957.2).

ClinVar aggregate classification (germline): Likely benign (1 of 4 stars; one submission).

Conditions:
MLANA-related condition.

gnomAD v4.1: 341 of 1,612,168 alleles (0.021%); highest among the groups gnomAD compares: East Asian, 0.67%; 7 homozygotes.

Submissions (5):

PreventionGenetics, part of Exact Sciences
Classification: Likely benign for MLANA-related condition. Last evaluated: 2026-09-02. Review status: criteria provided, single submitter. Criteria: ACMG Guidelines, 2015. Collection method: clinical testing. Allele origin: germline.
Comment: This variant is classified as likely benign based on ACMG/AMP sequence variant interpretation guidelines (Richards et al. 2015 PMID: 25741868, with internal and published modifications).

Dr. Peter K. Rogan Lab, Western University
No classification provided (evidence only). Condition: Familial cancer of breast. Review status: no classification provided. Collection method: in vitro. Allele origin: not applicable. Functional consequence: retained intron. Not counted in ClinVar's aggregate classification.

Dr. Peter K. Rogan Lab, Western University
No classification provided (evidence only). Condition: Hepatocellular carcinoma. Review status: no classification provided. Collection method: in vitro. Allele origin: not applicable. Functional consequence: retained intron. Not counted in ClinVar's aggregate classification.

Dr. Peter K. Rogan Lab, Western University
No classification provided (evidence only). Condition: Gastric cancer. Review status: no classification provided. Collection method: in vitro. Allele origin: not applicable. Functional consequence: retained intron. Not counted in ClinVar's aggregate classification.

Dr. Peter K. Rogan Lab, Western University
No classification provided (evidence only). Condition: Hepatocellular carcinoma. Review status: no classification provided. Collection method: in vitro. Allele origin: not applicable. Functional consequence: retained intron. Not counted in ClinVar's aggregate classification.